The following is an entry in ClinVar:

NM_013275.6(ANKRD11):c.3730A>T (p.Lys1244Ter)

Gene: ANKRD11 (ankyrin repeat domain 11; minus strand). Cytogenetic location: 16q24.3.
Variant type: single nucleotide variant.
Coding change: c.3730A>T on transcript NM_013275.6 (MANE Select); coding-DNA position 3730, A replaced by T.
Protein change: p.Lys1244Ter; replaces lysine 1244 with a stop codon.
Molecular consequence: nonsense.
Genome position (GRCh38, 1-based): chr16:89,282,812, T>A on the plus strand (A>T on the coding strand, the complement: ANKRD11 is on the minus strand). VCF-style: chr16-89282812-T-A. GRCh37 (hg19) VCF-style: chr16-89349220-T-A.
Other names: c.3730A>T, p.Lys1244Ter (NM_001256182.2, NM_001256183.2); short protein forms K1244*.
Identifiers: ClinVar variation 4727691 (VCV004727691.1).
Genomic context (GRCh38, chr16:89,282,812, plus strand): 5'-GTTCTTTGTCCGACTTCTCTTTGTGTTTGCTTTTAGCCTTGTCTTCGGCAGCGTGCTTCT[T>A]TTCAGCCTTCTCGGGGAGCTTCTGTTTATTTTTCTTATCTTGCGTGGAGTCCACTGAGGC-3'

ClinVar aggregate classification (germline): Pathogenic (1 of 4 stars; one submission).

Conditions:
KBG syndrome (KBGS). Also called: ANKRD11-Related KBG Syndrome. Identifiers: Orphanet 2332, MedGen C0220687, MONDO:0007846, OMIM 148050.

Submission:

Labcorp Genetics (formerly Invitae), Labcorp
Classification: Pathogenic for KBG syndrome. Last evaluated: 2025-09-23. Review status: criteria provided, single submitter. Criteria: Invitae Variant Classification Sherloc (09022015). Collection method: clinical testing. Allele origin: germline.
Comment: This sequence change creates a premature translational stop signal (p.Lys1244*) in the ANKRD11 gene. It is expected to result in an absent or disrupted protein product. Loss-of-function variants in ANKRD11 are known to be pathogenic (PMID: 21782149, 25125236, 25413698, 25652421). This variant is not present in population databases (gnomAD no frequency). This variant has not been reported in the literature in individuals affected with ANKRD11-related conditions. For these reasons, this variant has been classified as Pathogenic.

Literature cited by the submitters: PubMed 21782149; PubMed 25125236; PubMed 25413698; PubMed 25652421.